The following is an entry in ClinVar:

NM_032043.3(BRIP1):c.1487C>T (p.Ala496Val)

Gene: BRIP1 (BRCA1 interacting DNA helicase 1; minus strand). Cytogenetic location: 17q23.2.
Variant type: single nucleotide variant.
Coding change: c.1487C>T on transcript NM_032043.3 (MANE Select); coding-DNA position 1487, C replaced by T.
Protein change: p.Ala496Val; replaces alanine 496 with valine.
Molecular consequence: missense variant.
Genome position (GRCh38, 1-based): chr17:61,784,411, G>A on the plus strand (C>T on the coding strand, the complement: BRIP1 is on the minus strand). VCF-style: chr17-61784411-G-A. GRCh37 (hg19) VCF-style: chr17-59861772-G-A.
Other names: short protein forms A496V.
Identifiers: ClinVar variation 491410 (VCV000491410.15), dbSNP rs1555603612, ClinGen allele CA400481461.

ClinVar aggregate classification (germline): Uncertain significance. Review status: criteria provided, multiple submitters, no conflicts (2 of 4 stars). 3 submissions from 3 submitters: Uncertain significance (3). Last evaluated 2024-05-04.

Conditions:
Fanconi anemia complementation group J. Also called: BRIP1-Related Fanconi Anemia. Identifiers: Orphanet 84, MedGen C1836860, MONDO:0012187, OMIM 609054.
Familial cancer of breast. Also called: BREAST CANCER, FAMILIAL; hereditary breast carcinoma; Hereditary breast cancer. Identifiers: Orphanet 227535, MedGen C0346153, MONDO:0016419, OMIM 114480. Disease mechanism: loss of function.
Hereditary cancer-predisposing syndrome. Also called: Tumor predisposition; Neoplastic Syndromes, Hereditary; Hereditary Cancer Syndrome; Hereditary neoplastic syndrome. Identifiers: Orphanet 140162, MedGen C0027672, MeSH D009386, MONDO:0015356.

Submissions (3):

Ambry Genetics
Classification: Uncertain significance for Hereditary cancer-predisposing syndrome. Last evaluated: 2024-05-04. Review status: criteria provided, single submitter. Criteria: Ambry Variant Classification Scheme 2023. Collection method: clinical testing. Allele origin: germline.
Comment: The p.A496V variant (also known as c.1487C>T), located in coding exon 10 of the BRIP1 gene, results from a C to T substitution at nucleotide position 1487. The alanine at codon 496 is replaced by valine, an amino acid with similar properties. This amino acid position is conserved. In addition, this alteration is predicted to be tolerated by in silico analysis. Based on the available evidence, the clinical significance of this variant remains unclear.

Labcorp Genetics (formerly Invitae), Labcorp
Classification: Uncertain significance for Familial cancer of breast; Fanconi anemia complementation group J. Last evaluated: 2021-02-05. Review status: criteria provided, single submitter. Criteria: Invitae Variant Classification Sherloc (09022015). Collection method: clinical testing. Allele origin: germline.
Comment: Algorithms developed to predict the effect of missense changes on protein structure and function are either unavailable or do not agree on the potential impact of this missense change (SIFT: "Deleterious"; PolyPhen-2: "Possibly Damaging"; Align-GVGD: "Class C0"). In summary, the available evidence is currently insufficient to determine the role of this variant in disease. Therefore, it has been classified as a Variant of Uncertain Significance. This variant has not been reported in the literature in individuals with BRIP1-related conditions. ClinVar contains an entry for this variant (Variation ID: 491410). This variant is not present in population databases (ExAC no frequency). This sequence change replaces alanine with valine at codon 496 of the BRIP1 protein (p.Ala496Val). The alanine residue is highly conserved and there is a small physicochemical difference between alanine and valine.

Color Diagnostics, LLC DBA Color Health
Classification: Uncertain significance for Hereditary cancer-predisposing syndrome. Last evaluated: 2019-04-24. Review status: criteria provided, single submitter. Criteria: ACMG Guidelines, 2015. Collection method: clinical testing. Allele origin: germline.